The following is an entry in ClinVar:

ClinVar aggregate classification (germline): Conflicting classifications of pathogenicity. Review status: criteria provided, conflicting classifications (1 of 4 stars). 2 submissions from 2 submitters: Uncertain significance (1); Likely benign (1). Last evaluated 2022-07-11.

Conditions:
Kleefstra syndrome 1 (KLEFS1). Identifiers: Orphanet 261494, MedGen C0795833, MONDO:0027407, OMIM 610253.

Allele frequency attached by ClinVar (database versions not stated): gnomAD 0.00001; TOPMed 0.00002.
gnomAD v4.1: 19 of 1,613,620 alleles (0.0012%); highest among the groups gnomAD compares: Non-Finnish European, 0.0015%; no homozygotes.

Submissions (2):

Labcorp Genetics (formerly Invitae), Labcorp
Classification: Likely benign for Kleefstra syndrome 1. Last evaluated: 2022-07-11. Review status: criteria provided, single submitter. Criteria: Invitae Variant Classification Sherloc (09022015). Collection method: clinical testing. Allele origin: germline.

GeneDx
Classification: Uncertain significance. Last evaluated: 2018-02-21. Review status: criteria provided, single submitter. Criteria: GeneDx Variant Classification (06012015). Collection method: clinical testing. Allele origin: germline. Affected: yes.
Comment: The c.3180+5 G>A variant has not been published as a pathogenic variant, nor has it been reported as a benign variant to our knowledge. The c.3180+5 G>A variant is observed in 1/110,942 (0.001%) alleles from individuals of European background (Lek et al., 2016). Several in silico splice prediction models predict that c.3180+5 G>A may damage the natural donor site and lead to abnormal gene splicing. However, in the absence of RNA/functional studies, the actual effect of this sequence change in this individual is unknown. Therefore, based on the currently available information, it is unclear whether this variant is a pathogenic variant or a rare benign variant.

NM_024757.5(EHMT1):c.3180+5G>A

Gene: EHMT1 (euchromatic histone lysine methyltransferase 1; plus strand). Cytogenetic location: 9q34.3.
Variant type: single nucleotide variant.
Coding change: c.3180+5G>A on transcript NM_024757.5 (MANE Select); 5 bases into the intron after coding-DNA position 3180, G replaced by A.
Molecular consequence: intron variant.
Genome position (GRCh38, 1-based): chr9:137,813,535, G>A. VCF-style: chr9-137813535-G-A. GRCh37 (hg19) VCF-style: chr9-140707987-G-A.
Other names: c.3159+5G>A (NM_001354263.2).
Identifiers: ClinVar variation 504322 (VCV000504322.7), dbSNP rs377628279, ClinGen allele CA591251898.